The following is an entry in ClinVar:

NM_001204.7(BMPR2):c.2240A>T (p.Lys747Met)

Gene: BMPR2 (bone morphogenetic protein receptor type 2; plus strand). Cytogenetic location: 2q33.2.
Variant type: single nucleotide variant.
Coding change: c.2240A>T on transcript NM_001204.7 (MANE Select); coding-DNA position 2240, A replaced by T.
Protein change: p.Lys747Met; replaces lysine 747 with methionine.
Molecular consequence: missense variant.
Genome position (GRCh38, 1-based): chr2:202,555,905, A>T. VCF-style: chr2-202555905-A-T. GRCh37 (hg19) VCF-style: chr2-203420628-A-T.
Other names: short protein forms K747M.
Identifiers: ClinVar variation 4214499 (VCV004214499.1).

ClinVar aggregate classification (germline): Uncertain significance (1 of 4 stars; one submission).

Conditions:
Inborn genetic diseases. Identifiers: MedGen C0950123, MeSH D030342.

Submission:

Ambry Genetics
Classification: Uncertain significance for Inborn genetic diseases. Last evaluated: 2025-08-12. Review status: criteria provided, single submitter. Criteria: Ambry Variant Classification Scheme 2023. Collection method: clinical testing. Allele origin: germline.
Comment: The p.K747M variant (also known as c.2240A>T), located in coding exon 12 of the BMPR2 gene, results from an A to T substitution at nucleotide position 2240. The lysine at codon 747 is replaced by methionine, an amino acid with similar properties. This amino acid position is conserved. In addition, this alteration is predicted to be deleterious by in silico analysis. Based on the available evidence, the clinical significance of this variant remains unclear.